The following is an entry in ClinVar:

ClinVar aggregate classification (germline): Uncertain significance. Review status: criteria provided, multiple submitters, no conflicts (2 of 4 stars). 2 submissions from 2 submitters: Uncertain significance (2). Last evaluated 2025-08-25.

Conditions:
Inborn genetic diseases. Identifiers: MedGen C0950123, MeSH D030342.
Focal segmental glomerulosclerosis 1 (FSGS1). Identifiers: Orphanet 656, MedGen C4551527, MONDO:0011303, OMIM 603278.

Allele frequency attached by ClinVar (database versions not stated): gnomAD 0.00001; gnomAD exomes 0.00001; TOPMed 0.00001.
gnomAD v4.1: 12 of 1,613,820 alleles (0.00074%); highest among the groups gnomAD compares: Admixed American, 0.0033%; no homozygotes.

Submissions (2):

Ambry Genetics
Classification: Uncertain significance for Inborn genetic diseases. Last evaluated: 2025-08-25. Review status: criteria provided, single submitter. Criteria: Ambry Variant Classification Scheme 2023. Collection method: clinical testing. Allele origin: germline.

MVZ Medizinische Genetik Mainz
Classification: Uncertain significance for Focal segmental glomerulosclerosis 1. Last evaluated: 2022-08-22. Review status: criteria provided, single submitter. Criteria: UK Practice Guidelines For Variant Classification V4 01 2020. Collection method: clinical testing. Allele origin: germline. Inheritance: Autosomal dominant inheritance. Affected: yes. Observed: 1 variant allele.
Comment: ACMG Criteria: PM1, PM2_SUP, PP2

NM_004924.6(ACTN4):c.655G>A (p.Asp219Asn)

Gene: ACTN4 (actinin alpha 4; plus strand). Cytogenetic location: 19q13.2.
Variant type: single nucleotide variant.
Coding change: c.655G>A on transcript NM_004924.6 (MANE Select); coding-DNA position 655, G replaced by A.
Protein change: p.Asp219Asn; replaces aspartic acid 219 with asparagine.
Molecular consequence: missense variant.
Genome position (GRCh38, 1-based): chr19:38,709,398, G>A. VCF-style: chr19-38709398-G-A. GRCh37 (hg19) VCF-style: chr19-39200038-G-A.
Other names: c.655G>A, p.Asp219Asn (NM_001322033.2, NM_001411143.1); c.655G>A (NM_004924.4); short protein forms D219N.
Identifiers: ClinVar variation 3236249 (VCV003236249.2), dbSNP rs1228776619, ClinGen allele CA405695091.